The following is an entry in ClinVar:

ClinVar aggregate classification (germline): Uncertain significance (1 of 4 stars; one submission).

Conditions:
Cardiovascular phenotype. Identifiers: MedGen CN230736.

Submission:

Ambry Genetics
Classification: Uncertain significance for Cardiovascular phenotype. Last evaluated: 2026-02-19. Review status: criteria provided, single submitter. Criteria: Ambry Variant Classification Scheme 2023. Collection method: clinical testing. Allele origin: germline.
Comment: The p.H4908Y variant (also known as c.14722C>T), located in coding exon 103 of the RYR2 gene, results from a C to T substitution at nucleotide position 14722. The histidine at codon 4908 is replaced by tyrosine, an amino acid with similar properties. This amino acid position is conserved. In addition, this alteration is predicted to be deleterious by in silico analysis. Based on the available evidence, the clinical significance of this variant remains unclear.

NM_001035.3(RYR2):c.14722C>T (p.His4908Tyr)

Gene: RYR2 (ryanodine receptor 2; plus strand). Cytogenetic location: 1q43.
Variant type: single nucleotide variant.
Coding change: c.14722C>T on transcript NM_001035.3 (MANE Select); coding-DNA position 14722, C replaced by T.
Protein change: p.His4908Tyr; replaces histidine 4908 with tyrosine.
Molecular consequence: missense variant.
Genome position (GRCh38, 1-based): chr1:237,830,596, C>T. VCF-style: chr1-237830596-C-T. GRCh37 (hg19) VCF-style: chr1-237993896-C-T.
Other names: short protein forms H4908Y.
Identifiers: ClinVar variation 4825551 (VCV004825551.1).